The following is an entry in ClinVar:

NM_016507.4(CDK12):c.37G>A (p.Gly13Arg)

Genes: CDK12 (cyclin dependent kinase 12; plus strand), LOC126862553 (CDK7 strongly-dependent group 2 enhancer GRCh37_chr17:37618166-37619365; plus strand). Cytogenetic location: 17q12.
Variant type: single nucleotide variant.
Coding change: c.37G>A on transcript NM_016507.4 (MANE Select); coding-DNA position 37, G replaced by A.
Protein change: p.Gly13Arg; replaces glycine 13 with arginine.
Molecular consequence: missense variant.
Genome position (GRCh38, 1-based): chr17:39,462,108, G>A. VCF-style: chr17-39462108-G-A. GRCh37 (hg19) VCF-style: chr17-37618361-G-A.
Other names: c.37G>A, p.Gly13Arg (NM_015083.4); short protein forms G13R.
Identifiers: ClinVar variation 4224374 (VCV004224374.1).
Genomic context (GRCh38, chr17:39,462,108, plus strand): 5'-CTTCTTCAGGTCAGGGGAAAGGGAATGCCCAATTCAGAGAGACATGGGGGCAAGAAGGAC[G>A]GGAGTGGAGGAGCTTCTGGAACTTTGCAGCCGTCATCGGGAGGCGGCAGCTCTAACAGCA-3'
Protein context (NP_057591.2, residues 3-23): NSERHGGKKD[Gly13Arg]SGGASGTLQP

ClinVar aggregate classification (germline): Uncertain significance (1 of 4 stars; one submission).

gnomAD v4.1: 1 of 1,614,110 alleles (0.000062%); highest among the groups gnomAD compares: Non-Finnish European, 0.000085%; no homozygotes.

Submission:

Ambry Genetics
Classification: Uncertain significance. Last evaluated: 2025-08-10. Review status: criteria provided, single submitter. Criteria: Ambry Variant Classification Scheme 2023. Collection method: clinical testing. Allele origin: germline.
Comment: The p.G13R variant (also known as c.37G>A), located in coding exon 1 of the CDK12 gene, results from a G to A substitution at nucleotide position 37. The glycine at codon 13 is replaced by arginine, an amino acid with dissimilar properties. This amino acid position is conserved. In addition, this alteration is predicted to be tolerated by in silico analysis. Based on the available evidence, the clinical significance of this variant remains unclear.